The following is an entry in ClinVar:

NM_000535.7(PMS2):c.209A>G (p.Asp70Gly)

Gene: PMS2 (PMS1 homolog 2, mismatch repair system component; minus strand). Cytogenetic location: 7p22.1.
Variant type: single nucleotide variant.
Coding change: c.209A>G on transcript NM_000535.7 (MANE Select); coding-DNA position 209, A replaced by G.
Protein change: p.Asp70Gly; replaces aspartic acid 70 with glycine.
Molecular consequence: missense variant. On other transcripts: 5 prime UTR variant (11), non-coding transcript variant (1).
Genome position (GRCh38, 1-based): chr7:6,004,013, T>C on the plus strand (A>G on the coding strand, the complement: PMS2 is on the minus strand). VCF-style: chr7-6004013-T-C. GRCh37 (hg19) VCF-style: chr7-6043644-T-C.
Other names: c.-197A>G (NM_001322003.2, NM_001322004.2, NM_001322005.2 and 3 more transcripts); c.209A>G, p.Asp70Gly (NM_001322006.2, NM_001322014.2); c.-7A>G (NM_001322007.2, NM_001322008.2); c.-676A>G (NM_001322011.2, NM_001322012.2); c.-276A>G (NM_001322015.2); short protein forms D70G.
Identifiers: ClinVar variation 484322 (VCV000484322.18), dbSNP rs1554305000, ClinGen allele CA366744847.

ClinVar aggregate classification (germline): Uncertain significance. Review status: criteria provided, multiple submitters, no conflicts (2 of 4 stars). 3 submissions from 3 submitters: Uncertain significance (3). Last evaluated 2026-08-17.

Conditions:
Hereditary nonpolyposis colorectal neoplasms. Identifiers: MedGen C0009405, MeSH D003123.
Hereditary cancer-predisposing syndrome. Also called: Neoplastic Syndromes, Hereditary; Hereditary neoplastic syndrome; Hereditary Cancer Syndrome; Tumor predisposition. Identifiers: Orphanet 140162, MedGen C0027672, MeSH D009386, MONDO:0015356.

Submissions (3):

Ambry Genetics
Classification: Uncertain significance for Hereditary cancer-predisposing syndrome. Last evaluated: 2026-08-17. Review status: criteria provided, single submitter. Criteria: Ambry Variant Classification Scheme 2023. Collection method: clinical testing. Allele origin: germline.
Comment: The p.D70G variant (also known as c.209A>G), located in coding exon 3 of the PMS2 gene, results from an A to G substitution at nucleotide position 209. The aspartic acid at codon 70 is replaced by glycine, an amino acid with similar properties. This amino acid position is highly conserved in available vertebrate species. In addition, this alteration is predicted to be deleterious by in silico analysis. Based on the available evidence, the clinical significance of this variant remains unclear.

Labcorp Genetics (formerly Invitae), Labcorp
Classification: Uncertain significance for Hereditary nonpolyposis colorectal neoplasms. Last evaluated: 2022-08-26. Review status: criteria provided, single submitter. Criteria: Invitae Variant Classification Sherloc (09022015). Collection method: clinical testing. Allele origin: germline.
Comment: In summary, the available evidence is currently insufficient to determine the role of this variant in disease. Therefore, it has been classified as a Variant of Uncertain Significance. This sequence change replaces aspartic acid, which is acidic and polar, with glycine, which is neutral and non-polar, at codon 70 of the PMS2 protein (p.Asp70Gly). This variant is not present in population databases (gnomAD no frequency). This variant has not been reported in the literature in individuals affected with PMS2-related conditions. ClinVar contains an entry for this variant (Variation ID: 484322). Algorithms developed to predict the effect of missense changes on protein structure and function (SIFT, PolyPhen-2, Align-GVGD) all suggest that this variant is likely to be disruptive.

Color Diagnostics, LLC DBA Color Health
Classification: Uncertain significance for Hereditary cancer-predisposing syndrome. Last evaluated: 2019-05-31. Review status: criteria provided, single submitter. Criteria: ACMG Guidelines, 2015. Collection method: clinical testing. Allele origin: germline.